The following is an entry in ClinVar:

ClinVar aggregate classification (germline): Uncertain significance (1 of 4 stars; one submission).

Conditions:
Glycogen storage disease IXb (GSD9B). Also called: PHOSPHORYLASE KINASE DEFICIENCY OF LIVER AND MUSCLE, AUTOSOMAL RECESSIVE; GLYCOGENOSIS OF LIVER AND MUSCLE, AUTOSOMAL RECESSIVE; GSD IXb. Identifiers: Orphanet 79240, MedGen C0543514, MONDO:0009868, OMIM 261750.

Allele frequency attached by ClinVar (database versions not stated): gnomAD exomes below 0.00001 and 0.00001; gnomAD 0.00001; TOPMed 0.00001.
gnomAD v4.1: 8 of 1,611,132 alleles (0.0005%); highest among the groups gnomAD compares: Admixed American, 0.0017%; no homozygotes.

Submission:

Labcorp Genetics (formerly Invitae), Labcorp
Classification: Uncertain significance for Glycogen storage disease IXb. Last evaluated: 2022-11-15. Review status: criteria provided, single submitter. Criteria: Invitae Variant Classification Sherloc (09022015). Collection method: clinical testing. Allele origin: germline.
Comment: Algorithms developed to predict the effect of sequence changes on RNA splicing suggest that this variant may create or strengthen a splice site. In summary, the available evidence is currently insufficient to determine the role of this variant in disease. Therefore, it has been classified as a Variant of Uncertain Significance. ClinVar contains an entry for this variant (Variation ID: 1348723). This variant has not been reported in the literature in individuals affected with PHKB-related conditions. This variant is present in population databases (no rsID available, gnomAD 0.003%). This sequence change affects codon 1010 of the PHKB mRNA. It is a 'silent' change, meaning that it does not change the encoded amino acid sequence of the PHKB protein.

NM_000293.3(PHKB):c.3030G>A (p.Leu1010=)

Gene: PHKB (phosphorylase kinase regulatory subunit beta; plus strand). Cytogenetic location: 16q12.1.
Variant type: single nucleotide variant.
Coding change: c.3030G>A on transcript NM_000293.3 (MANE Select); coding-DNA position 3030, G replaced by A.
Protein change: p.Leu1010=; no amino-acid change (leucine 1010 retained).
Molecular consequence: synonymous variant.
Genome position (GRCh38, 1-based): chr16:47,698,474, G>A. VCF-style: chr16-47698474-G-A. GRCh37 (hg19) VCF-style: chr16-47732385-G-A.
Other names: c.3009G>A, p.Leu1003= (NM_001031835.3); c.3030G>A, p.Leu1010= (NM_001363837.1).
Identifiers: ClinVar variation 1348723 (VCV001348723.7), dbSNP rs1402815994, ClinGen allele CA495361443.
Genomic context (GRCh38, chr16:47,698,474, plus strand): 5'-CATATAGTTGGCTTTCAATGTCTGTCTCTTCTAGTTACTTATGGTTGTATCCATTGTACT[G>A]GAAAGAAACCCCGAGCTAGAATTTCAAGACAAAGTAGATCTAGACAGACTGGTCAAAGAA-3'
Protein context (NP_000284.1, residues 1000-1020): VELLMVVSIV[Leu1010=]ERNPELEFQD